The following is an entry in ClinVar:

ClinVar aggregate classification (germline): Uncertain significance (1 of 4 stars; one submission).

Conditions:
Immunodeficiency, common variable, 1. Also called: ANTIBODY DEFICIENCY DUE TO ICOS DEFECT. Identifiers: Orphanet 1572, Orphanet 695183, MedGen C3149378, MONDO:0011864, OMIM 607594.

Submission:

Labcorp Genetics (formerly Invitae), Labcorp
Classification: Uncertain significance for Immunodeficiency, common variable, 1. Last evaluated: 2023-06-13. Review status: criteria provided, single submitter. Criteria: Invitae Variant Classification Sherloc (09022015). Collection method: clinical testing. Allele origin: germline.
Comment: This variant is not present in population databases (gnomAD no frequency). This variant has not been reported in the literature in individuals affected with ICOS-related conditions. ClinVar contains an entry for this variant (Variation ID: 1058053). Algorithms developed to predict the effect of sequence changes on RNA splicing suggest that this variant may disrupt the consensus splice site. In summary, the available evidence is currently insufficient to determine the role of this variant in disease. Therefore, it has been classified as a Variant of Uncertain Significance. This sequence change falls in intron 3 of the ICOS gene. It does not directly change the encoded amino acid sequence of the ICOS protein.

NM_012092.4(ICOS):c.502-6_502-5insG

Gene: ICOS (inducible T cell costimulator; plus strand). Cytogenetic location: 2q33.2.
Variant type: Insertion.
Coding change: c.502-6_502-5insG on transcript NM_012092.4 (MANE Select); 6 bases into the intron before coding-DNA position 502 through 5 bases into the intron before coding-DNA position 502, G inserted.
Molecular consequence: intron variant.
Genome position: GRCh38 VCF-style: chr2-203957793-T-TG. GRCh37 (hg19) VCF-style: chr2-204822516-T-TG.
Identifiers: ClinVar variation 1058053 (VCV001058053.9), dbSNP rs1690102674, ClinGen allele CA431025824.
Genomic context (GRCh38, chr2:203,957,793, plus strand): 5'-ACAGTCAAAAAACAAAGAGATGGAGAAGAAAAGATGACCAAGCATGTTTCTGGCTTTTTC[T>TG]TTCAGAAGTATTCATCCAGTGTGCACGACCCTAACGGTGAATACATGTTCATGAGAGCAG-3'